The following is an entry in ClinVar:

NM_001278116.2(L1CAM):c.133C>A (p.Leu45Met)

Gene: L1CAM (L1 cell adhesion molecule; minus strand). Cytogenetic location: Xq28.
Variant type: single nucleotide variant.
Coding change: c.133C>A on transcript NM_001278116.2 (MANE Select); coding-DNA position 133, C replaced by A.
Protein change: p.Leu45Met; replaces leucine 45 with methionine.
Molecular consequence: missense variant.
Genome position (GRCh38, 1-based): chrX:153,872,656, G>T on the plus strand (C>A on the coding strand, the complement: L1CAM is on the minus strand). VCF-style: chrX-153872656-G-T. GRCh37 (hg19) VCF-style: chrX-153138111-G-T.
Other names: c.133C>A, p.Leu45Met (NM_000425.5, NM_024003.3); c.118C>A, p.Leu40Met (NM_001143963.2); short protein forms L40M, L45M.
Identifiers: ClinVar variation 3067223 (VCV003067223.22), dbSNP rs370373282, ClinGen allele CA10554655.

ClinVar aggregate classification (germline): Likely benign. Review status: criteria provided, multiple submitters, no conflicts (2 of 4 stars). 2 submissions from 2 submitters: Likely benign (2). Last evaluated 2024-07-17.

Allele frequency attached by ClinVar (database versions not stated): gnomAD exomes 0.00003; TOPMed 0.00004; gnomAD 0.00007; ESP Exome Variant Server 0.00009; ExAC 0.00013.

Submissions (2):

Blueprint Genetics
Classification: Likely benign. Last evaluated: 2024-07-17. Review status: criteria provided, single submitter. Criteria: ACMG Guidelines, 2015. Collection method: clinical testing. Allele origin: germline.

CeGaT Center for Human Genetics Tuebingen
Classification: Likely benign. Last evaluated: 2024-03-01. Review status: criteria provided, single submitter. Criteria: CeGaT Center For Human Genetics Tuebingen Variant Classification Criteria Version 2. Collection method: clinical testing. Allele origin: germline. Affected: yes. Observed: 1 variant allele.
Comment: L1CAM: BP4, BS2